The following is an entry in ClinVar:

NM_007294.4(BRCA1):c.5059GTT[1] (p.Val1688del)

Gene: BRCA1 (BRCA1 DNA repair associated; minus strand). Cytogenetic location: 17q21.31.
Variant type: Microsatellite.
Coding change: c.5059GTT[1] on transcript NM_007294.4 (MANE Select); one copy of the 3-base unit GTT starting at c.5059; the reference has two copies in a row; one copy, 3 bases deleted; also written c.5062_5064del.
Protein change: p.Val1688del; deletes valine 1688.
Molecular consequence: inframe deletion. On other transcripts: inframe indel (365), non-coding transcript variant (1).
Genome position (GRCh38, 1-based): chr17:43,067,618-43,067,620, AAC deleted on the plus strand (GTT on the coding strand, the reverse complement: BRCA1 is on the minus strand); deleting any 3 consecutive bases within chr17:43,067,618-43,067,624 gives the same sequence; the position shown is the placement nearest the transcript's 3' end. VCF-style (leftmost placement, unchanged base first): chr17-43067617-TAAC-T. GRCh37 (hg19) VCF-style: chr17-41219634-TAAC-T.
Other names: c.5062_5064delGTT (NM_007294.3); c.4845_4847TGT[1], p.Val1617del (NM_001407571.1, NM_001407894.1, NM_001407895.1 and 12 more transcripts); c.5124_5126TGT[1], p.Val1710del (NM_001407581.1, NM_001407582.1); c.5121_5123TGT[1], p.Val1709del (NM_001407583.1, NM_001407585.1, NM_001407587.1); c.5118_5120TGT[1], p.Val1708del (NM_001407590.1, NM_001407591.1); c.5058_5060TGT[1], p.Val1688del (NM_001407593.1, NM_001407594.1, NM_001407596.1 and 8 more transcripts); c.5055_5057TGT[1], p.Val1687del (NM_001407610.1, NM_001407611.1, NM_001407612.1 and 17 more transcripts); c.5052_5054TGT[1], p.Val1686del (NM_001407627.1, NM_001407628.1, NM_001407629.1 and 14 more transcripts); and 75 more; short protein forms V1688del, V1709del, V1641del, V584del, V1392del, V1575del, V1598del, V1599del.
Identifiers: ClinVar variation 55368 (VCV000055368.34), dbSNP rs80358344, ClinGen allele CA003180.

ClinVar aggregate classification (germline): Pathogenic. Review status: reviewed by expert panel (3 of 4 stars). 18 submissions from 18 submitters: Pathogenic (1). 17 of the submissions do not count toward it. Last evaluated 2019-06-18.

Conditions:
BRCA1-related cancer predisposition. Identifiers: MedGen CN377757, MONDO:0700268.
Hereditary cancer-predisposing syndrome. Also called: Hereditary Cancer Syndrome; Neoplastic Syndromes, Hereditary; Hereditary neoplastic syndrome; Tumor predisposition. Identifiers: Orphanet 140162, MedGen C0027672, MeSH D009386, MONDO:0015356.
Hereditary breast ovarian cancer syndrome. Also called: Breast and ovarian cancer; Hereditary breast and ovarian cancer syndrome; Hereditary breast and ovarian cancer syndrome (HBOC); BRCA1- and BRCA2-Associated Hereditary Breast and Ovarian Cancer; Hereditary breast and ovarian cancer; Hereditary breast and/or ovarian cancer syndrome. Identifiers: Orphanet 145, MedGen C0677776, MeSH D061325, MONDO:0003582. Disease mechanism: loss of function.
Breast-ovarian cancer, familial, susceptibility to, 1 (BROVCA1). Also called: BRCA1 Hereditary Breast and Ovarian Cancer; OVARIAN CANCER, SUSCEPTIBILITY TO. Identifiers: Orphanet 145, MedGen C2676676, MONDO:0011450, OMIM 604370. Disease mechanism: loss of function.

Submissions 1 to 8 of 18:

Evidence-based Network for the Interpretation of Germline Mutant Alleles (ENIGMA)
Classification: Pathogenic for Breast-ovarian cancer, familial, susceptibility to, 1. Last evaluated: 2019-06-18. Review status: reviewed by expert panel. Criteria: ENIGMA BRCA1/2 Classification Criteria (2017-06-29). Collection method: curation. Allele origin: germline.
Comment: IARC class based on posterior probability from multifactorial likelihood analysis, thresholds for class as per Plon et al. 2008 (PMID: 18951446). Class 5 based on posterior probability = 0.998076

Hema, HEMA – Genetic and Molecular Diagnostic Laboratory
Classification: Pathogenic for BRCA1-related cancer predisposition. Last evaluated: 2026-07-16. Review status: criteria provided, single submitter. Criteria: HEMA Variant Classification Assertion Criteria. Collection method: clinical testing. Allele origin: germline. Not counted in ClinVar's aggregate classification.
Comment: The variant c.5062_5064del p.(Val1688del) is a three-nucleotide deletion that results in the deletion of valine 1688 in the BRCA1 protein. PS3: Functional studies have demonstrated that the variant affects the activity of the BRCA1 protein (PMID: 32546644). PP4_Strong: Multifactorial analysis of the likelihood ratio using clinically calibrated data produced a combined LR for this variant of 268 ≥ 18.7 (based on LR of co-occurrence = 1.17; LR of family history = 13.49; LR of cosegregation = 16.98) (PMID: 17924331). PP1_Strong: The variant cosegregated with breast/ovarian cancer in two families (LR = 106 ≥ 18.7) (PMID: 18165637).

Labcorp Genetics (formerly Invitae), Labcorp
Classification: Pathogenic for Hereditary breast ovarian cancer syndrome. Last evaluated: 2026-01-27. Review status: criteria provided, single submitter. Criteria: Invitae Variant Classification Sherloc (09022015). Collection method: clinical testing. Allele origin: germline. Not counted in ClinVar's aggregate classification.
Comment: This variant, c.5062_5064del, results in the deletion of 1 amino acid(s) of the BRCA1 protein (p.Val1688del), but otherwise preserves the integrity of the reading frame. This variant is not present in population databases (gnomAD no frequency). This variant has been observed in individual(s) with breast and/or ovarian cancer (PMID: 8968102, 18165637, 18703817, 18821011, 19706752, 23697973, 25814778, 26306726). It has also been observed to segregate with disease in related individuals. Based on a multifactorial likelihood algorithm using genetic, in silico, and/or statistical data, this variant has been determined to have a high probability of being pathogenic (PMID: 17924331). Experimental studies have shown that this variant affects BRCA1 function (PMID: 11157798, 19706752, 23867111). For these reasons, this variant has been classified as Pathogenic.

Clinical Genetics Laboratory, Skane University Hospital Lund
Classification: Pathogenic for Breast-ovarian cancer, familial, susceptibility to, 1. Last evaluated: 2025-12-23. Review status: criteria provided, single submitter. Criteria: ACMG Guidelines, 2015. Collection method: clinical testing. Allele origin: germline. Inheritance: Autosomal dominant inheritance. Affected: yes. Not counted in ClinVar's aggregate classification.

Dasa
Classification: Pathogenic for Breast-ovarian cancer, familial, susceptibility to, 1. Last evaluated: 2025-11-21. Review status: criteria provided, single submitter. Criteria: DASA Assertion Criteria. Collection method: clinical testing. Allele origin: germline. Not counted in ClinVar's aggregate classification.
Comment: NM_007294.4(BRCA1):c.5062_5064del (p.Val1688del) is an in-frame deletion predicted to remove valine at protein position 1688 without shifting the reading frame. Segregation data support an association with disease in the reported family/families (PMID: 18165637). Functional evidence supports an impact on the gene or gene product (PMID: 31131967). This variant has been recurrently observed in individuals with Breast-ovarian cancer, familial, susceptibility to, 1 (PMID: 18165637; PMID: 31131967). Also, this variant is rare in population databases. Based on the currently available evidence, this variant is classified as pathogenic.

Ambry Genetics
Classification: Pathogenic for Hereditary cancer-predisposing syndrome. Last evaluated: 2024-12-10. Review status: criteria provided, single submitter. Criteria: Ambry Variant Classification Scheme 2023. Collection method: clinical testing. Allele origin: germline. Not counted in ClinVar's aggregate classification.
Comment: The c.5062_5064delGTT pathogenic mutation (also known as p.V1688del) is located in coding exon 15 of the BRCA1 gene. This pathogenic mutation results from an in-frame GTT deletion at nucleotide positions 5062 to 5064. This results in the in-frame deletion of a valine at codon 1688. This alteration has been classified as pathogenic (p>0.99) by multifactorial analysis, which integrates the following lines of evidence to produce a quantitative likelihood of pathogenicity: in silico prediction models, segregation with disease, tumor characteristics, mutation co-occurrence, and functional assay results (Lindor, NM et al. Hum Mutat. 2012 Jan;33(1):8-21; Easton DF et al. Am. J. Hum. Genet., 2007 Nov;81:873-83). This alteration has been identified in multiple breast and ovarian cancer families and has been described as an Italian founder mutation (Montagna, M et al. Cancer Res. 1996 Dec 1;56(23):5466-9; De Nicolo, A et al. Cancer Res. 2009 Sep 1;69(17):7030-7; Tazzite A et al. Gynecol. Oncol., 2012 Jun;125:687-92; Minucci A et al. Expert Rev. Mol. Diagn., 2015 Aug;15:1383-403; Maxwell KN et al. Am. J. Hum. Genet., 2016 May;98:801-17). In one family this alteration segregated with disease in six of six affected sisters and was absent in two healthy relatives (Malacrida, S et al. J Clin Oncol. 2008 Jan 1;26(1):26-31). In addition, functional analyses have shown that this alteration leads to a protein that partially disrupts the BRCA1 BRCT domain, compromises protein stability, displays deficient DNA damage response function, and fails to associate with known partner proteins (De Nicolo, A et al. Cancer Res. 2009 Sep 1;69(17):7030-7). Furthermore, a yeast-based transcriptional assay showed that this alteration displayed no transcriptional activity compared to wildtype (Vallon-Christersson, J et al. Hum Mol Genet. 2001 Feb 15;10(4):353-60). This alteration has also been classified as likely to be deleterious based on a interspecific sequence variation classification system (Abkevich V et al. J. Med. Genet., 2004 Jul;41:492-507). A computational study reported this alteration as pathogenic based on data derived from an in vitro functional assay (Iversen ES et al. Cancer Epidemiol. Biomarkers Prev., 2011 Jun;20:1078-88). Of note, this alteration is also designated as 5181del3 in published literature. Based on the supporting evidence, this variant is interpreted as a disease-causing mutation.

Color Diagnostics, LLC DBA Color Health
Classification: Pathogenic for Hereditary cancer-predisposing syndrome. Last evaluated: 2023-11-21. Review status: criteria provided, single submitter. Criteria: ACMG Guidelines, 2015. Collection method: clinical testing. Allele origin: germline. Not counted in ClinVar's aggregate classification.
Comment: This variant causes the in-frame deletion of one amino acid, valine 1688, in the BRCT domain of the BRCA1 protein. Functional studies have reported that this variant impacts BRCA1 function in transcription activation and may impact protein stability (PMID: 11157798, 19706752, 21447777). This variant has been detected in over 15 individuals and families affected with breast and ovarian cancer (PMID: 8968102, 18165637, 18821011, 22425665, 26306726, 27153395), and it has been reported as a founder mutation in Italy based on haplotype analysis (PMID: 18165637, 18821011). This variant also has been observed to cosegregate with disease with odds for pathogenicity of 661:1 (PMID: 18165637) and a likelihood ratio of pathogenicity of 16.93 (PMID: 31131967). This variant has not been identified in the general population by the Genome Aggregation Database (gnomAD). Based on the available evidence, this variant is classified as Pathogenic.

Baylor Genetics
Classification: Pathogenic for Breast-ovarian cancer, familial, susceptibility to, 1. Last evaluated: 2022-09-19. Review status: criteria provided, single submitter. Criteria: ACMG Guidelines, 2015. Collection method: clinical testing. Allele origin: unknown. Not counted in ClinVar's aggregate classification.